The following is an entry in ClinVar:

NM_018368.4(LMBRD1):c.1144A>G (p.Met382Val)

Gene: LMBRD1 (LMBR1 domain containing 1; minus strand). Cytogenetic location: 6q13.
Variant type: single nucleotide variant.
Coding change: c.1144A>G on transcript NM_018368.4 (MANE Select); coding-DNA position 1144, A replaced by G.
Protein change: p.Met382Val; replaces methionine 382 with valine.
Molecular consequence: missense variant.
Genome position (GRCh38, 1-based): chr6:69,700,809, T>C on the plus strand (A>G on the coding strand, the complement: LMBRD1 is on the minus strand). VCF-style: chr6-69700809-T-C. GRCh37 (hg19) VCF-style: chr6-70410701-T-C.
Other names: c.925A>G, p.Met309Val (NM_001363722.2, NM_001367271.1, NM_001367272.1); short protein forms M309V, M382V.
Identifiers: ClinVar variation 1495319 (VCV001495319.5), dbSNP rs561540830, ClinGen allele CA3879675.

ClinVar aggregate classification (germline): Uncertain significance (1 of 4 stars; one submission).

Conditions:
Methylmalonic aciduria and homocystinuria type cblF. Also called: METHYLMALONIC ACIDEMIA AND HOMOCYSTINURIA, cblF TYPE; METHYLMALONIC ACIDURIA DUE TO VITAMIN B12-RELEASE DEFECT; VITAMIN B12 LYSOSOMAL RELEASE DEFECT; VITAMIN B12 STORAGE DISEASE; COBALAMIN F DISEASE; COBALAMIN, DEFECT IN LYSOSOMAL RELEASE OF. Identifiers: Orphanet 79284, MedGen C1848578, MONDO:0010183, OMIM 277380.

Allele frequency attached by ClinVar (database versions not stated): gnomAD exomes 0.00002 and 0.00006; gnomAD 0.00003 and 0.00005; TOPMed 0.00003; ExAC 0.00014; 1000 Genomes Project 0.00040; 1000 Genomes Project 30x 0.00047.
gnomAD v4.1: 31 of 1,518,156 alleles (0.002%); highest among the groups gnomAD compares: East Asian, 0.04%; no homozygotes.

Submission:

Labcorp Genetics (formerly Invitae), Labcorp
Classification: Uncertain significance for Methylmalonic aciduria and homocystinuria type cblF. Last evaluated: 2022-07-06. Review status: criteria provided, single submitter. Criteria: Invitae Variant Classification Sherloc (09022015). Collection method: clinical testing. Allele origin: germline.
Comment: This sequence change replaces methionine, which is neutral and non-polar, with valine, which is neutral and non-polar, at codon 382 of the LMBRD1 protein (p.Met382Val). This variant is present in population databases (rs561540830, gnomAD 0.08%). This variant has not been reported in the literature in individuals affected with LMBRD1-related conditions. ClinVar contains an entry for this variant (Variation ID: 1495319). Algorithms developed to predict the effect of missense changes on protein structure and function are either unavailable or do not agree on the potential impact of this missense change (SIFT: "Deleterious"; PolyPhen-2: "Benign"; Align-GVGD: "Class C0"). Algorithms developed to predict the effect of sequence changes on RNA splicing suggest that this variant may disrupt the consensus splice site. In summary, the available evidence is currently insufficient to determine the role of this variant in disease. Therefore, it has been classified as a Variant of Uncertain Significance.